The following is an entry in ClinVar:

ClinVar aggregate classification (germline): Likely benign (1 of 4 stars; one submission).

Conditions:
TRPC5-related disorder. Also called: TRPC5-related condition.

gnomAD v4.1: 8 of 1,208,414 alleles (0.00066%); highest among the groups gnomAD compares: Admixed American, 0.0044%; no homozygotes.

Submission:

PreventionGenetics, part of Exact Sciences
Classification: Likely benign for TRPC5-related condition. Last evaluated: 2026-08-19. Review status: criteria provided, single submitter. Criteria: ACMG Guidelines, 2015. Collection method: clinical testing. Allele origin: germline.
Comment: This variant is classified as likely benign based on ACMG/AMP sequence variant interpretation guidelines (Richards et al. 2015 PMID: 25741868, with internal and published modifications).

NM_012471.3(TRPC5):c.2139T>C (p.Tyr713=)

Gene: TRPC5 (transient receptor potential cation channel subfamily C member 5; minus strand). Cytogenetic location: Xq23.
Variant type: single nucleotide variant.
Coding change: c.2139T>C on transcript NM_012471.3 (MANE Select); coding-DNA position 2139, T replaced by C.
Protein change: p.Tyr713=; no amino-acid change (tyrosine 713 retained).
Molecular consequence: synonymous variant.
Genome position (GRCh38, 1-based): chrX:111,781,168, A>G on the plus strand (T>C on the coding strand, the complement: TRPC5 is on the minus strand). VCF-style: chrX-111781168-A-G. GRCh37 (hg19) VCF-style: chrX-111024396-A-G.
Identifiers: ClinVar variation 4985830 (VCV004985830.1).
Genomic context (GRCh38, chrX:111,781,168, plus strand): 5'-CTCCTCCACAGAACCAGCCAACAACTATTGTGCTTCATCCCTGTGAGGAAGCTTTACCTG[A>G]TAATGTTGATTTTGTATCAGGCTGTCAGCATTGCGTTCCTATAATTGAAAATAGACAGAG-3'
Protein context (NP_036603.1, residues 703-723): NADSLIQNQH[Tyr713=]QEVIRNLVKR